The following is an entry in ClinVar:

NM_001184.4(ATR):c.5739-11_5739-4del

Gene: ATR (ATR checkpoint kinase; minus strand). Cytogenetic location: 3q23.
Variant type: Deletion.
Coding change: c.5739-11_5739-4del on transcript NM_001184.4 (MANE Select); 11 bases into the intron before coding-DNA position 5739 through 4 bases into the intron before coding-DNA position 5739, 8 bases deleted (ACTTCCTT; older notation c.5739-11_5739-4delACTTCCTT).
Molecular consequence: intron variant.
Genome position (GRCh38, 1-based): chr3:142,496,524-142,496,531, AAGGAAGT deleted on the plus strand (ACTTCCTT on the coding strand, the reverse complement: ATR is on the minus strand); deleting any 8 consecutive bases within chr3:142,496,524-142,496,533 gives the same sequence; the c. name uses the placement nearest the transcript's 3' end. VCF-style (leftmost placement, unchanged base first): chr3-142496523-AAAGGAAGT-A. GRCh37 (hg19) VCF-style: chr3-142215365-AAAGGAAGT-A.
Other names: NC_000003.11:g.142215368_142215375del; c.5547-11_5547-4del (NM_001354579.2); c.5739-13_5739-6del (NM_001184.4).
Identifiers: ClinVar variation 210492 (VCV000210492.58), dbSNP rs797045404, ClinGen allele CA208818.

ClinVar aggregate classification (germline): Conflicting classifications of pathogenicity. Review status: criteria provided, conflicting classifications (1 of 4 stars). 4 submissions from 4 submitters: Uncertain significance (2); Benign (1); Likely benign (1). Last evaluated 2026-02-02.

Conditions:
Hereditary cancer. Identifiers: MedGen C1333600.

Submissions (15):

Labcorp Genetics (formerly Invitae), Labcorp
Classification: Benign. Last evaluated: 2026-02-02. Review status: criteria provided, single submitter. Criteria: Invitae Variant Classification Sherloc (09022015). Collection method: clinical testing. Allele origin: germline.

Mendelics
Classification: Likely benign for Hereditary cancer. Last evaluated: 2025-02-26. Review status: criteria provided, single submitter. Criteria: ACMG Guidelines, 2015. Collection method: clinical testing. Allele origin: unknown.
Comment: This variant is considered likely benign or benign based on one or more of the following: it is predicted to be benign by multiple in silico algorithms, and/or has population frequency not consistent with disease, and/or has normal protein function, and/or has lack of segregation with disease, and/or has been detected in co-occurrence with known pathogenic variant, and/or has lack of disease association in case-control studies, and/or is located in a region inconsistent with a known cause of pathogenicity.

CeGaT Center for Human Genetics Tuebingen
Classification: Uncertain significance. Last evaluated: 2018-10-01. Review status: criteria provided, single submitter. Criteria: CeGaT Center For Human Genetics Tuebingen Variant Classification Criteria Version 2. Collection method: clinical testing. Allele origin: germline. Affected: yes. Observed: 2 variant alleles.

Genetic Services Laboratory, University of Chicago
Classification: Uncertain significance. Last evaluated: 2013-02-08. Review status: criteria provided, single submitter. Criteria: ACMG Guidelines, 2007. Collection method: clinical testing. Allele origin: germline.

Dr. Peter K. Rogan Lab, Western University
No classification provided (evidence only). Condition: Familial cancer of breast. Review status: no classification provided. Collection method: in vitro. Allele origin: not applicable. Functional consequence: skipped exon. Not counted in ClinVar's aggregate classification.

Dr. Peter K. Rogan Lab, Western University
No classification provided (evidence only). Condition: Chronic lymphocytic leukemia/small lymphocytic lymphoma. Review status: no classification provided. Collection method: in vitro. Allele origin: not applicable. Functional consequence: skipped exon. Not counted in ClinVar's aggregate classification.

Dr. Peter K. Rogan Lab, Western University
No classification provided (evidence only). Condition: Chronic lymphocytic leukemia/small lymphocytic lymphoma. Review status: no classification provided. Collection method: in vitro. Allele origin: not applicable. Functional consequence: skipped exon, retained intron. Not counted in ClinVar's aggregate classification.

Dr. Peter K. Rogan Lab, Western University
No classification provided (evidence only). Condition: Familial pancreatic carcinoma. Review status: no classification provided. Collection method: in vitro. Allele origin: not applicable. Functional consequence: skipped exon, retained intron. Not counted in ClinVar's aggregate classification.

Dr. Peter K. Rogan Lab, Western University
No classification provided (evidence only). Condition: Lymphoma. Review status: no classification provided. Collection method: in vitro. Allele origin: not applicable. Functional consequence: retained intron. Not counted in ClinVar's aggregate classification.

Dr. Peter K. Rogan Lab, Western University
No classification provided (evidence only). Condition: Lymphoma. Review status: no classification provided. Collection method: in vitro. Allele origin: not applicable. Functional consequence: skipped exon. Not counted in ClinVar's aggregate classification.

Dr. Peter K. Rogan Lab, Western University
No classification provided (evidence only). Condition: Lymphoma. Review status: no classification provided. Collection method: in vitro. Allele origin: not applicable. Functional consequence: skipped exon. Not counted in ClinVar's aggregate classification.

Dr. Peter K. Rogan Lab, Western University
No classification provided (evidence only). Condition: Ovarian cancer. Review status: no classification provided. Collection method: in vitro. Allele origin: not applicable. Functional consequence: retained intron. Not counted in ClinVar's aggregate classification.

Dr. Peter K. Rogan Lab, Western University
No classification provided (evidence only). Condition: Ovarian cancer. Review status: no classification provided. Collection method: in vitro. Allele origin: not applicable. Functional consequence: retained intron. Not counted in ClinVar's aggregate classification.

Dr. Peter K. Rogan Lab, Western University
No classification provided (evidence only). Condition: Ovarian cancer. Review status: no classification provided. Collection method: in vitro. Allele origin: not applicable. Functional consequence: skipped exon, retained intron. Not counted in ClinVar's aggregate classification.

Dr. Peter K. Rogan Lab, Western University
No classification provided (evidence only). Condition: Ovarian cancer. Review status: no classification provided. Collection method: in vitro. Allele origin: not applicable. Functional consequence: skipped exon. Not counted in ClinVar's aggregate classification.